The following is an entry in ClinVar:

ClinVar aggregate classification (germline): Uncertain significance (1 of 4 stars; one submission).

Conditions:
Aniridia 1 (AN1). Identifiers: Orphanet 250923, MedGen C0344542, MONDO:0024507, OMIM 106210.
Irido-corneo-trabecular dysgenesis (ASGD5). Also called: ANTERIOR SEGMENT DYSGENESIS 5. Identifiers: Orphanet 708, MedGen C0344559, MONDO:0011414, OMIM 604229, HP:0000659.

Allele frequency attached by ClinVar (database versions not stated): ExAC 0.00002.

Submission:

Labcorp Genetics (formerly Invitae), Labcorp
Classification: Uncertain significance for Aniridia 1; Irido-corneo-trabecular dysgenesis. Last evaluated: 2021-12-20. Review status: criteria provided, single submitter. Criteria: Invitae Variant Classification Sherloc (09022015). Collection method: clinical testing. Allele origin: germline.
Comment: Advanced modeling of protein sequence and biophysical properties (such as structural, functional, and spatial information, amino acid conservation, physicochemical variation, residue mobility, and thermodynamic stability) performed at Invitae indicates that this missense variant is not expected to disrupt PAX6 protein function. In summary, the available evidence is currently insufficient to determine the role of this variant in disease. Therefore, it has been classified as a Variant of Uncertain Significance. This variant has not been reported in the literature in individuals affected with PAX6-related conditions. This variant is present in population databases (rs750403446, gnomAD 0.002%). This sequence change replaces glycine, which is neutral and non-polar, with valine, which is neutral and non-polar, at codon 157 of the PAX6 protein (p.Gly157Val).

NM_001368894.2(PAX6):c.512G>T (p.Gly171Val)

Gene: PAX6 (paired box 6; minus strand). Cytogenetic location: 11p13.
Variant type: single nucleotide variant.
Coding change: c.512G>T on transcript NM_001368894.2 (MANE Select); coding-DNA position 512, G replaced by T.
Protein change: p.Gly171Val; replaces glycine 171 with valine.
Molecular consequence: missense variant. On other transcripts: non-coding transcript variant (2).
Genome position (GRCh38, 1-based): chr11:31,800,744, C>A on the plus strand (G>T on the coding strand, the complement: PAX6 is on the minus strand). VCF-style: chr11-31800744-C-A. GRCh37 (hg19) VCF-style: chr11-31822292-C-A.
Other names: c.470G>T, p.Gly157Val (NM_000280.6, NM_001127612.3, NM_001258464.2 and 10 more transcripts); c.512G>T, p.Gly171Val (NM_001258462.3, NM_001258463.2, NM_001310158.2 and 6 more transcripts); c.62G>T, p.Gly21Val (NM_001310160.2, NM_001310161.3, NM_001368899.2 and 11 more transcripts); c.713G>T, p.Gly238Val (NM_001368910.2); c.515G>T, p.Gly172Val (NM_001368911.2); c.587G>T, p.Gly196Val (NM_001368918.2, NM_001368919.2); c.545G>T, p.Gly182Val (NM_001368920.2); c.311G>T, p.Gly104Val (NM_001368921.2, NM_001368922.2, NM_001368923.2 and 4 more transcripts); and 1 more; short protein forms G104V, G171V, G90V, G182V, G196V, G172V, G157V, G21V.
Identifiers: ClinVar variation 2075007 (VCV002075007.4), dbSNP rs750403446, ClinGen allele CA5933871.